The following is an entry in ClinVar:

ClinVar aggregate classification (germline): Uncertain significance (1 of 4 stars; one submission).

Allele frequency attached by ClinVar (database versions not stated): TOPMed below 0.00001; gnomAD 0.00001; gnomAD exomes 0.00001.
gnomAD v4.1: 21 of 1,613,834 alleles (0.0013%); highest among the groups gnomAD compares: Non-Finnish European, 0.0018%; no homozygotes.

Submission:

Labcorp Genetics (formerly Invitae), Labcorp
Classification: Uncertain significance. Last evaluated: 2025-03-17. Review status: criteria provided, single submitter. Criteria: Invitae Variant Classification Sherloc (09022015). Collection method: clinical testing. Allele origin: germline.
Comment: This sequence change replaces tyrosine, which is neutral and polar, with histidine, which is basic and polar, at codon 196 of the COQ9 protein (p.Tyr196His). This variant is present in population databases (no rsID available, gnomAD 0.0009%). This variant has not been reported in the literature in individuals affected with COQ9-related conditions. ClinVar contains an entry for this variant (Variation ID: 2195442). An algorithm developed to predict the effect of missense changes on protein structure and function (PolyPhen-2) suggests that this variant is likely to be disruptive. In summary, the available evidence is currently insufficient to determine the role of this variant in disease. Therefore, it has been classified as a Variant of Uncertain Significance.

NM_020312.4(COQ9):c.586T>C (p.Tyr196His)

Gene: COQ9 (coenzyme Q9; plus strand). Cytogenetic location: 16q21.
Variant type: single nucleotide variant.
Coding change: c.586T>C on transcript NM_020312.4 (MANE Select); coding-DNA position 586, T replaced by C.
Protein change: p.Tyr196His; replaces tyrosine 196 with histidine.
Molecular consequence: missense variant.
Genome position (GRCh38, 1-based): chr16:57,456,995, T>C. VCF-style: chr16-57456995-T-C. GRCh37 (hg19) VCF-style: chr16-57490907-T-C.
Other names: short protein forms Y196H.
Identifiers: ClinVar variation 2195442 (VCV002195442.3), dbSNP rs996267829, ClinGen allele CA281551467.